The following is an entry in ClinVar:

ClinVar aggregate classification (germline): Conflicting classifications of pathogenicity. Review status: criteria provided, conflicting classifications (1 of 4 stars). 4 submissions from 4 submitters: Uncertain significance (2); Likely benign (2). Last evaluated 2026-01-05.

Conditions:
Autosomal dominant spastic paraplegia type 9. Identifiers: MedGen C1832669, MONDO:0015091.
de Barsy syndrome. Also called: Cutis laxa-corneal clouding-oligophrenia syndrome. Identifiers: Orphanet 2962, MedGen C0268354, MONDO:0017569.
Cutis laxa, autosomal dominant 3 (ADCL3). Identifiers: Orphanet 90348, MedGen C4225268, MONDO:0014706, OMIM 616603.
ALDH18A1-related de Barsy syndrome. Also called: Cutis laxa, autosomal recessive IIIA; DE BARSY SYNDROME A. Identifiers: Orphanet 2962, Orphanet 35664, MedGen C5234852, MONDO:0009053, OMIM 219150.

Allele frequency attached by ClinVar (database versions not stated): gnomAD exomes 0.00001 and 0.00004; ExAC 0.00005; gnomAD 0.00006 and 0.00007; ESP Exome Variant Server 0.00008; TOPMed 0.00009.
gnomAD v4.1: 59 of 1,613,434 alleles (0.0037%); highest among the groups gnomAD compares: East Asian, 0.038%; 1 homozygote.

Submissions (5):

Labcorp Genetics (formerly Invitae), Labcorp
Classification: Uncertain significance for Autosomal dominant spastic paraplegia type 9; de Barsy syndrome; Cutis laxa, autosomal dominant 3. Last evaluated: 2026-01-05. Review status: criteria provided, single submitter. Criteria: Invitae Variant Classification Sherloc (09022015). Collection method: clinical testing. Allele origin: germline.
Comment: This sequence change falls in intron 16 of the ALDH18A1 gene. It does not directly change the encoded amino acid sequence of the ALDH18A1 protein. This variant is present in population databases (rs375782465, gnomAD 0.06%). This variant has not been reported in the literature in individuals affected with ALDH18A1-related conditions. ClinVar contains an entry for this variant (Variation ID: 301758). Algorithms developed to predict the effect of sequence changes on RNA splicing suggest that this variant may create or strengthen a splice site. In summary, the available evidence is currently insufficient to determine the role of this variant in disease. Therefore, it has been classified as a Variant of Uncertain Significance.

Blueprint Genetics
Classification: Likely benign. Last evaluated: 2024-11-01. Review status: criteria provided, single submitter. Criteria: ACMG Guidelines, 2015. Collection method: clinical testing. Allele origin: germline.

Illumina Laboratory Services, Illumina
Classification: Uncertain significance for ALDH18A1-related de Barsy syndrome. Last evaluated: 2018-01-13. Review status: criteria provided, single submitter. Criteria: ICSL Variant Classification Criteria 13 December 2019. Collection method: clinical testing. Allele origin: germline.

GeneDx
Classification: Likely benign. Last evaluated: 2017-11-16. Review status: criteria provided, single submitter. Criteria: GeneDx Variant Classification (06012015). Collection method: clinical testing. Allele origin: germline. Affected: yes.
Comment: This variant is considered likely benign or benign based on one or more of the following criteria: it is a conservative change, it occurs at a poorly conserved position in the protein, it is predicted to be benign by multiple in silico algorithms, and/or has population frequency not consistent with disease.

Dr. Peter K. Rogan Lab, Western University
No classification provided (evidence only). Condition: Malignant lymphoma, large B-cell, diffuse. Review status: no classification provided. Collection method: in vitro. Allele origin: not applicable. Functional consequence: retained intron. Not counted in ClinVar's aggregate classification.

NM_002860.4(ALDH18A1):c.2110+13A>G

Gene: ALDH18A1 (aldehyde dehydrogenase 18 family member A1; minus strand). Cytogenetic location: 10q24.1.
Variant type: single nucleotide variant.
Coding change: c.2110+13A>G on transcript NM_002860.4 (MANE Select); 13 bases into the intron after coding-DNA position 2110, A replaced by G.
Molecular consequence: intron variant.
Genome position (GRCh38, 1-based): chr10:95,611,243, T>C on the plus strand (A>G on the coding strand, the complement: ALDH18A1 is on the minus strand). VCF-style: chr10-95611243-T-C. GRCh37 (hg19) VCF-style: chr10-97371000-T-C.
Other names: c.1474+13A>G (NM_001323419.2); c.1777+13A>G (NM_001323412.2, NM_001323416.2); c.2005+13A>G (NM_001323417.2); c.2104+13A>G (NM_001017423.2, NM_001323415.2); c.1771+13A>G (NM_001323418.2); c.2110+13A>G (NM_001323413.2, NM_001323414.2).
Identifiers: ClinVar variation 301758 (VCV000301758.13), dbSNP rs375782465, ClinGen allele CA5620150.